The following is an entry in ClinVar:

NM_002427.4(MMP13):c.158C>T (p.Ala53Val)

Genes: MMP13 (matrix metallopeptidase 13; minus strand), LOC126861318 (BRD4-independent group 4 enhancer GRCh37_chr11:102825894-102827093; plus strand). Cytogenetic location: 11q22.2.
Variant type: single nucleotide variant.
Coding change: c.158C>T on transcript NM_002427.4 (MANE Select); coding-DNA position 158, C replaced by T.
Protein change: p.Ala53Val; replaces alanine 53 with valine.
Molecular consequence: missense variant.
Genome position (GRCh38, 1-based): chr11:102,955,456, G>A on the plus strand (C>T on the coding strand, the complement: MMP13 is on the minus strand). VCF-style: chr11-102955456-G-A. GRCh37 (hg19) VCF-style: chr11-102826185-G-A.
Other names: short protein forms A53V.
Identifiers: ClinVar variation 1495915 (VCV001495915.6), dbSNP rs748106896, ClinGen allele CA6252049.

ClinVar aggregate classification (germline): Uncertain significance (1 of 4 stars; one submission).

Allele frequency attached by ClinVar (database versions not stated): TOPMed 0.00005; gnomAD 0.00006 and 0.00009; gnomAD exomes 0.00008 and 0.00012; ExAC 0.00017; 1000 Genomes Project 30x 0.00031.
gnomAD v4.1: 126 of 1,613,976 alleles (0.0078%); highest among the groups gnomAD compares: South Asian, 0.054%; no homozygotes.

Submission:

Labcorp Genetics (formerly Invitae), Labcorp
Classification: Uncertain significance. Last evaluated: 2025-07-06. Review status: criteria provided, single submitter. Criteria: Invitae Variant Classification Sherloc (09022015). Collection method: clinical testing. Allele origin: germline.
Comment: This sequence change replaces alanine, which is neutral and non-polar, with valine, which is neutral and non-polar, at codon 53 of the MMP13 protein (p.Ala53Val). This variant is present in population databases (rs748106896, gnomAD 0.07%). This variant has not been reported in the literature in individuals affected with MMP13-related conditions. ClinVar contains an entry for this variant (Variation ID: 1495915). Invitae Evidence Modeling of protein sequence and biophysical properties (such as structural, functional, and spatial information, amino acid conservation, physicochemical variation, residue mobility, and thermodynamic stability) indicates that this missense variant is not expected to disrupt MMP13 protein function with a negative predictive value of 80%. In summary, the available evidence is currently insufficient to determine the role of this variant in disease. Therefore, it has been classified as a Variant of Uncertain Significance.